The following is an entry in ClinVar:

NM_012154.5(AGO2):c.1517G>A (p.Arg506Gln)

Gene: AGO2 (argonaute RISC catalytic component 2; minus strand). Cytogenetic location: 8q24.3.
Variant type: single nucleotide variant.
Coding change: c.1517G>A on transcript NM_012154.5 (MANE Select); coding-DNA position 1517, G replaced by A.
Protein change: p.Arg506Gln; replaces arginine 506 with glutamine.
Molecular consequence: missense variant.
Genome position (GRCh38, 1-based): chr8:140,549,185, C>T on the plus strand (G>A on the coding strand, the complement: AGO2 is on the minus strand). VCF-style: chr8-140549185-C-T. GRCh37 (hg19) VCF-style: chr8-141559284-C-T.
Other names: c.1517G>A, p.Arg506Gln (NM_001164623.3); short protein forms R506Q.
Identifiers: ClinVar variation 4278604 (VCV004278604.1).

ClinVar aggregate classification (germline): Likely pathogenic (1 of 4 stars; one submission).

Submission:

GeneDx
Classification: Likely pathogenic. Last evaluated: 2025-04-03. Review status: criteria provided, single submitter. Criteria: GeneDx Variant Classification Process June 2021. Collection method: clinical testing. Allele origin: germline. Affected: yes.
Comment: Not observed at significant frequency in large population cohorts (gnomAD); In silico analysis indicates that this missense variant does not alter protein structure/function; Has not been previously published as pathogenic or benign to our knowledge